The following is an entry in ClinVar:

NM_021096.4(CACNA1I):c.3118A>G (p.Ile1040Val)

Gene: CACNA1I (calcium voltage-gated channel subunit alpha1 I; plus strand). Cytogenetic location: 22q13.1.
Variant type: single nucleotide variant.
Coding change: c.3118A>G on transcript NM_021096.4 (MANE Select); coding-DNA position 3118, A replaced by G.
Protein change: p.Ile1040Val; replaces isoleucine 1040 with valine.
Molecular consequence: missense variant.
Genome position (GRCh38, 1-based): chr22:39,662,181, A>G. VCF-style: chr22-39662181-A-G. GRCh37 (hg19) VCF-style: chr22-40058186-A-G.
Other names: c.3013A>G, p.Ile1005Val (NM_001003406.2); short protein forms I1005V, I1040V.
Identifiers: ClinVar variation 3058856 (VCV003058856.2), dbSNP rs136853, ClinGen allele CA10244351.

ClinVar aggregate classification (germline): Benign (0 of 4 stars; one submission).

Conditions:
CACNA1I-related disorder. Also called: CACNA1I-related condition.

Allele frequency attached by ClinVar (database versions not stated): ExAC 0.59614; gnomAD 0.63918; ESP Exome Variant Server 0.64107; TOPMed 0.65841; 1000 Genomes Project 30x 0.73501; 1000 Genomes Project 0.73682.
gnomAD v4.1: 852,088 of 1,527,710 alleles (56%); highest among the groups gnomAD compares: East Asian, 99%; 246,351 homozygotes.

Submission:

PreventionGenetics, part of Exact Sciences
Classification: Benign for CACNA1I-related condition. Last evaluated: 2019-10-16. Review status: no assertion criteria provided. Collection method: clinical testing. Allele origin: germline.
Comment: This variant is classified as benign based on ACMG/AMP sequence variant interpretation guidelines (Richards et al. 2015 PMID: 25741868, with internal and published modifications).